The following is an entry in ClinVar:

NM_000939.4(POMC):c.573del (p.Asp192fs)

Gene: POMC (proopiomelanocortin; minus strand). Cytogenetic location: 2p23.3.
Variant type: Deletion.
Coding change: c.573del on transcript NM_000939.4 (MANE Select); coding-DNA position 573, one base deleted (C; older notation c.573delC).
Protein change: p.Asp192fs; shifts the reading frame from aspartic acid 192.
Molecular consequence: frameshift variant.
Genome position (GRCh38, 1-based): chr2:25,161,312, G deleted on the plus strand (C on the coding strand, the reverse complement: POMC is on the minus strand); the first of 4 consecutive G bases (chr2:25,161,312-25,161,315); deleting any one gives the same sequence. VCF-style (leftmost placement, unchanged base first): chr2-25161311-CG-C. GRCh37 (hg19) VCF-style: chr2-25384180-CG-C.
Other names: c.573delC (NM_000939.3); c.573del, p.Asp192fs (NM_001035256.3, NM_001319204.2, NM_001319205.2); short protein forms D192fs.
Identifiers: ClinVar variation 2634648 (VCV002634648.4), dbSNP rs765946518, ClinGen allele CA1555270.

ClinVar aggregate classification (germline): Uncertain significance. Review status: criteria provided, single submitter (1 of 4 stars). 2 submissions from 2 submitters: Uncertain significance (1). 1 of the submissions does not count toward it. Last evaluated 2024-07-08.

Conditions:
POMC-related disorder. Also called: POMC-related condition; POMC-related disorders.

Submissions (2):

Blueprint Genetics
Classification: Uncertain significance. Last evaluated: 2024-07-08. Review status: criteria provided, single submitter. Criteria: ACMG Guidelines, 2015. Collection method: clinical testing. Allele origin: germline.

PreventionGenetics, part of Exact Sciences
Classification: Uncertain significance for POMC-related condition. Last evaluated: 2024-02-05. Review status: no assertion criteria provided. Collection method: clinical testing. Allele origin: germline. Not counted in ClinVar's aggregate classification.
Comment: The POMC c.573delC variant is predicted to result in a frameshift and premature protein termination (p.Asp192Thrfs*50). To our knowledge, this variant has not been reported in the literature. This variant is reported in 0.024% of alleles in individuals of South Asian descent in gnomAD. Premature chain-termination of POMC is expected to be deleterious. However, this frameshift variant occurs near the 3’ end of the last POMC exon, and no clearly established pathogenic variants have been documented downstream of residue 192. Although we suspect that this variant may be pathogenic, at this time, the clinical significance is uncertain due to the absence of conclusive functional and genetic evidence.